The following is an entry in ClinVar:

ClinVar aggregate classification (germline): Uncertain significance (1 of 4 stars; one submission).

Conditions:
Wilson disease (WND). Also called: Wilson's disease. Identifiers: Orphanet 905, MedGen C0019202, MONDO:0010200, OMIM 277900. Disease mechanism: loss of function.

Allele frequency attached by ClinVar (database versions not stated): gnomAD exomes 0.00002.
gnomAD v4.1: 26 of 1,614,068 alleles (0.0016%); highest among the groups gnomAD compares: Non-Finnish European, 0.0022%; no homozygotes.

Submission:

All of Us Research Program, National Institutes of Health
Classification: Uncertain significance for Wilson disease. Last evaluated: 2023-09-04. Review status: criteria provided, single submitter. Criteria: ACMG Guidelines, 2015. Collection method: clinical testing. Allele origin: germline. Inheritance: Autosomal recessive inheritance. Observed: 1 variant allele, 1 heterozygote.
Comment: This missense variant replaces threonine with serine at codon 1143 of the ATP7B protein. Computational prediction suggests that this variant may not impact protein structure and function (internally defined REVEL score threshold <= 0.5, PMID: 27666373). To our knowledge, functional studies have not been reported for this variant. This variant has not been reported in individuals affected with ATP7B-related disorders in the literature. This variant has been identified in 1/249588 chromosomes in the general population by the Genome Aggregation Database (gnomAD). The available evidence is insufficient to determine the role of this variant in disease conclusively. Therefore, this variant is classified as a Variant of Uncertain Significance.

This study involves interpretation of variants in research participants for the purpose of population health screening. Participant phenotype was not available at the time of variant classification. Additional details can be found in publication PMID: 35346344, PMCID: PMC8962531

NM_000053.4(ATP7B):c.3427A>T (p.Thr1143Ser)

Gene: ATP7B (ATPase copper transporting beta; minus strand). Cytogenetic location: 13q14.3.
Variant type: single nucleotide variant.
Coding change: c.3427A>T on transcript NM_000053.4 (MANE Select); coding-DNA position 3427, A replaced by T.
Protein change: p.Thr1143Ser; replaces threonine 1143 with serine.
Molecular consequence: missense variant. On other transcripts: intron variant (2).
Genome position (GRCh38, 1-based): chr13:51,941,210, T>A on the plus strand (A>T on the coding strand, the complement: ATP7B is on the minus strand). VCF-style: chr13-51941210-T-A. GRCh37 (hg19) VCF-style: chr13-52515346-T-A.
Other names: c.3427A>T, p.Thr1143Ser (NM_001406511.1, NM_001406512.1, NM_001406526.1); c.3421A>T, p.Thr1141Ser (NM_001406513.1); c.3394A>T, p.Thr1132Ser (NM_001406514.1); c.3373A>T, p.Thr1125Ser (NM_001406515.1, NM_001406516.1); c.3331A>T, p.Thr1111Ser (NM_001406517.1, NM_001406518.1); c.3292A>T, p.Thr1098Ser (NM_001406519.1); c.3283A>T, p.Thr1095Ser (NM_001406520.1, NM_001406521.1, NM_001406522.1); c.3244A>T, p.Thr1082Ser (NM_001406523.1); and 20 more; short protein forms T1000S, T1030S, T1032S, T1033S, T1047S, T1059S, T1063S, T1065S.
Identifiers: ClinVar variation 3073279 (VCV003073279.1), dbSNP rs1485647003, ClinGen allele CA388026755.